The following is an entry in ClinVar:

NM_022787.4(NMNAT1):c.193C>T (p.His65Tyr)

Gene: NMNAT1 (nicotinamide nucleotide adenylyltransferase 1; plus strand). Cytogenetic location: 1p36.22.
Variant type: single nucleotide variant.
Coding change: c.193C>T on transcript NM_022787.4 (MANE Select); coding-DNA position 193, C replaced by T.
Protein change: p.His65Tyr; replaces histidine 65 with tyrosine.
Molecular consequence: missense variant.
Genome position (GRCh38, 1-based): chr1:9,975,669, C>T. VCF-style: chr1-9975669-C-T. GRCh37 (hg19) VCF-style: chr1-10035727-C-T.
Other names: c.193C>T, p.His65Tyr (NM_001297778.1, NM_001297779.2); short protein forms H65Y.
Identifiers: ClinVar variation 2498393 (VCV002498393.28), dbSNP rs1416590269, ClinGen allele CA338684514.
Genomic context (GRCh38, chr1:9,975,669, plus strand): 5'-AAAGGCATCATCTCTCCTGTTGGTGATGCCTACAAGAAGAAAGGACTCATTCCTGCCTAT[C>T]ACCGGGTCATCATGGCAGAACTTGCTACCAAGAATTCTAAATGGGTGGAAGTTGATACAT-3'
Protein context (NP_073624.2, residues 55-75): YKKKGLIPAY[His65Tyr]RVIMAELATK

ClinVar aggregate classification (germline): Uncertain significance (1 of 4 stars; one submission).

Allele frequency attached by ClinVar (database versions not stated): gnomAD exomes below 0.00001; TOPMed 0.00001.
gnomAD v4.1: 4 of 1,613,938 alleles (0.00025%); highest among the groups gnomAD compares: Non-Finnish European, 0.00034%; no homozygotes.

Submission:

CeGaT Center for Human Genetics Tuebingen
Classification: Uncertain significance. Last evaluated: 2023-03-01. Review status: criteria provided, single submitter. Criteria: CeGaT Center For Human Genetics Tuebingen Variant Classification Criteria Version 2. Collection method: clinical testing. Allele origin: germline. Affected: yes. Observed: 1 variant allele.
Comment: NMNAT1: PM2, PP4